The following is an entry in ClinVar:

ClinVar aggregate classification (germline): Likely benign. Review status: criteria provided, multiple submitters, no conflicts (2 of 4 stars). 4 submissions from 4 submitters: Likely benign (4). Last evaluated 2026-06-05.

Conditions:
Catecholaminergic polymorphic ventricular tachycardia (CVPT). Also called: Catecholamine-induced polymorphic ventricular tachycardia. Identifiers: Orphanet 3286, MedGen C5574922, MONDO:0017990.
Catecholaminergic polymorphic ventricular tachycardia 1. Also called: VENTRICULAR TACHYCARDIA, STRESS-INDUCED POLYMORPHIC 1; RYR2-Related Catecholaminergic Polymorphic Ventricular Tachycardia; VENTRICULAR TACHYCARDIA, CATECHOLAMINERGIC POLYMORPHIC, 1, WITH OR WITHOUT ATRIAL DYSFUNCTION AND/OR DILATED CARDIOMYOPATHY. Identifiers: Orphanet 3286, MedGen C1631597, MONDO:0011484, OMIM 604772.
Cardiomyopathy (CMYO). Also called: Cardiomyopathies. Identifiers: Orphanet 167848, MedGen C0878544, MONDO:0004994, HP:0001638. Inheritance: Various modes of inheritance.

Allele frequency attached by ClinVar (database versions not stated): ExAC 0.00001; gnomAD exomes 0.00001; ESP Exome Variant Server 0.00008.
gnomAD v4.1: 10 of 1,609,988 alleles (0.00062%); highest among the groups gnomAD compares: African/African-American, 0.0067%; no homozygotes.

Submissions (4):

Women's Health and Genetics/Laboratory Corporation of America, LabCorp
Classification: Likely benign. Last evaluated: 2026-06-05. Review status: criteria provided, single submitter. Criteria: LabCorp Variant Classification Summary - May 2015. Collection method: clinical testing. Allele origin: germline.

Labcorp Genetics (formerly Invitae), Labcorp
Classification: Likely benign for Catecholaminergic polymorphic ventricular tachycardia 1. Last evaluated: 2024-07-16. Review status: criteria provided, single submitter. Criteria: Invitae Variant Classification Sherloc (09022015). Collection method: clinical testing. Allele origin: germline.

All of Us Research Program, National Institutes of Health
Classification: Likely benign for Catecholaminergic polymorphic ventricular tachycardia. Last evaluated: 2024-02-05. Review status: criteria provided, single submitter. Criteria: ACMG Guidelines, 2015. Collection method: clinical testing. Allele origin: germline. Inheritance: Autosomal dominant inheritance. Observed: 1 variant allele, 1 heterozygote.
Comment: This study involves interpretation of variants in research participants for the purpose of population health screening. Participant phenotype was not available at the time of variant classification. Additional details can be found in publication PMID: 35346344, PMCID: PMC8962531

Color Diagnostics, LLC DBA Color Health
Classification: Likely benign for Cardiomyopathy. Last evaluated: 2022-11-03. Review status: criteria provided, single submitter. Criteria: ACMG Guidelines, 2015. Collection method: clinical testing. Allele origin: germline.

NM_001035.3(RYR2):c.8591-6T>C

Gene: RYR2 (ryanodine receptor 2; plus strand). Cytogenetic location: 1q43.
Variant type: single nucleotide variant.
Coding change: c.8591-6T>C on transcript NM_001035.3 (MANE Select); 6 bases into the intron before coding-DNA position 8591, T replaced by C.
Molecular consequence: intron variant.
Genome position (GRCh38, 1-based): chr1:237,674,090, T>C. VCF-style: chr1-237674090-T-C. GRCh37 (hg19) VCF-style: chr1-237837390-T-C.
Identifiers: ClinVar variation 1082891 (VCV001082891.14), dbSNP rs371383631, ClinGen allele CA087692.